The following is an entry in ClinVar:

ClinVar aggregate classification (germline): Pathogenic/Likely pathogenic. Review status: criteria provided, multiple submitters, no conflicts (2 of 4 stars). 4 submissions from 4 submitters: Pathogenic (1); Likely pathogenic (3). Last evaluated 2024-06-14.

Conditions:
TCTN3-related disorder. Also called: TCTN3-related condition.
Orofacial-digital syndrome IV (OFD4). Also called: MOHR-MAJEWSKI SYNDROME; BARAITSER-BURN SYNDROME; OFD SYNDROME WITH TIBIAL DEFECTS; OFD SYNDROME, BARAITSER-BURN TYPE; OFDS IV; ORAL-FACIAL-DIGITAL SYNDROME, TYPE IV. Identifiers: Orphanet 2753, MedGen C0406727, MONDO:0009794, OMIM 258860.
Joubert syndrome 18 (JBTS18). Identifiers: Orphanet 2754, MedGen C3553758, MONDO:0013896, OMIM 614815.

Submissions (4):

Blueprint Genetics
Classification: Likely pathogenic for TCTN3-related disorders. Last evaluated: 2024-06-14. Review status: criteria provided, single submitter. Criteria: ACMG Guidelines, 2015. Collection method: clinical testing. Allele origin: germline. Affected: yes. Observed: 1 variant allele.

Labcorp Genetics (formerly Invitae), Labcorp
Classification: Pathogenic for Joubert syndrome 18; Orofacial-digital syndrome IV. Last evaluated: 2024-06-03. Review status: criteria provided, single submitter. Criteria: Invitae Variant Classification Sherloc (09022015). Collection method: clinical testing. Allele origin: germline.
Comment: This sequence change creates a premature translational stop signal (p.Lys260Glnfs*5) in the TCTN3 gene. It is expected to result in an absent or disrupted protein product. Loss-of-function variants in TCTN3 are known to be pathogenic (PMID: 2692869, 22883145, 25118024). This variant is present in population databases (rs750644251, gnomAD 0.02%). This variant has not been reported in the literature in individuals affected with TCTN3-related conditions. ClinVar contains an entry for this variant (Variation ID: 2201166). For these reasons, this variant has been classified as Pathogenic.

Fulgent Genetics
Classification: Likely pathogenic for Orofacial-digital syndrome IV; Joubert syndrome 18. Last evaluated: 2024-02-09. Review status: criteria provided, single submitter. Criteria: ACMG Guidelines, 2015. Collection method: clinical testing. Allele origin: germline.

Juno Genomics, Hangzhou Juno Genomics, Inc
Classification: Likely pathogenic for Joubert syndrome 18; Orofacial-digital syndrome IV. Review status: criteria provided, single submitter. Criteria: ACMG Guidelines, 2015. Collection method: clinical testing. Allele origin: germline.
Comment: Null variant in a gene where loss of function (LOF) is a known mechanism of disease.;Absent from controls (or at extremely low frequency if recessive) in Genome Aggregation Database.

Literature cited by the submitters: PubMed 2692869 (cited by Labcorp Genetics (formerly Invitae), Labcorp); PubMed 22883145 (cited by Labcorp Genetics (formerly Invitae), Labcorp); PubMed 25118024 (cited by Labcorp Genetics (formerly Invitae), Labcorp).

NM_015631.6(TCTN3):c.776dup (p.Lys260fs)

Gene: TCTN3 (tectonic family member 3; minus strand). Cytogenetic location: 10q24.1.
Variant type: Duplication.
Coding change: c.776dup on transcript NM_015631.6 (MANE Select); coding-DNA position 776, one base duplicated (T; older notation c.776dupT).
Protein change: p.Lys260fs; shifts the reading frame from lysine 260.
Molecular consequence: frameshift variant.
Genome position (GRCh38, 1-based): chr10:95,687,120, A duplicated on the plus strand (T on the coding strand, the reverse complement: TCTN3 is on the minus strand); the first of 6 consecutive A bases (chr10:95,687,120-95,687,125); duplicating any one gives the same sequence. VCF-style (leftmost placement, unchanged base first): chr10-95687119-G-GA. GRCh37 (hg19) VCF-style: chr10-97446876-G-GA.
Other names: c.825dup, p.Lys278Glnfs (NM_001013840.1); c.539dup, p.Lys181fs (NM_001143973.2); c.771dup, p.Lys260Glnfs (NM_001410982.1); short protein forms K181fs, K260fs.
Identifiers: ClinVar variation 2201166 (VCV002201166.8), dbSNP rs750644251, ClinGen allele CA5621066.